The following is an entry in ClinVar:

ClinVar aggregate classification (germline): Uncertain significance. Review status: criteria provided, multiple submitters, no conflicts (2 of 4 stars). 3 submissions from 3 submitters: Uncertain significance (3). Last evaluated 2025-10-22.

Conditions:
JAK1-related disorder. Also called: JAK1-related condition.
Inborn genetic diseases. Identifiers: MedGen C0950123, MeSH D030342.

Allele frequency attached by ClinVar (database versions not stated): TOPMed 0.00005; ESP Exome Variant Server 0.00008.
gnomAD v4.1: 117 of 1,613,704 alleles (0.0073%); highest among the groups gnomAD compares: Non-Finnish European, 0.0098%; no homozygotes.

Submissions (3):

Ambry Genetics
Classification: Uncertain significance for Inborn genetic diseases. Last evaluated: 2025-10-22. Review status: criteria provided, single submitter. Criteria: Ambry Variant Classification Scheme 2023. Collection method: clinical testing. Allele origin: germline.

Labcorp Genetics (formerly Invitae), Labcorp
Classification: Uncertain significance. Last evaluated: 2025-09-13. Review status: criteria provided, single submitter. Criteria: Invitae Variant Classification Sherloc (09022015). Collection method: clinical testing. Allele origin: germline.
Comment: This sequence change replaces isoleucine, which is neutral and non-polar, with methionine, which is neutral and non-polar, at codon 359 of the JAK1 protein (p.Ile359Met). This variant is present in population databases (rs376472861, gnomAD 0.007%). This variant has not been reported in the literature in individuals affected with JAK1-related conditions. ClinVar contains an entry for this variant (Variation ID: 1440745). An algorithm developed to predict the effect of missense changes on protein structure and function (PolyPhen-2) suggests that this variant is likely to be tolerated. In summary, the available evidence is currently insufficient to determine the role of this variant in disease. Therefore, it has been classified as a Variant of Uncertain Significance.

PreventionGenetics, part of Exact Sciences
Classification: Uncertain significance for JAK1-related condition. Last evaluated: 2025-03-15. Review status: criteria provided, single submitter. Criteria: ACMG Guidelines, 2015. Collection method: clinical testing. Allele origin: germline.
Comment: The JAK1 c.1077C>G variant is predicted to result in the amino acid substitution p.Ile359Met. To our knowledge, this variant has not been reported in the literature. This variant is reported in 0.0053% of alleles in individuals of European (Non-Finnish) descent in gnomAD. At this time, the clinical significance of this variant is uncertain due to the absence of conclusive functional and genetic evidence.

NM_002227.4(JAK1):c.1077C>G (p.Ile359Met)

Gene: JAK1 (Janus kinase 1; minus strand). Cytogenetic location: 1p31.3.
Variant type: single nucleotide variant.
Coding change: c.1077C>G on transcript NM_002227.4 (MANE Select); coding-DNA position 1077, C replaced by G.
Protein change: p.Ile359Met; replaces isoleucine 359 with methionine.
Molecular consequence: missense variant.
Genome position (GRCh38, 1-based): chr1:64,864,886, G>C on the plus strand (C>G on the coding strand, the complement: JAK1 is on the minus strand). VCF-style: chr1-64864886-G-C. GRCh37 (hg19) VCF-style: chr1-65330569-G-C.
Other names: c.1077C>G (NM_002227.2, NM_002227.3); c.1077C>G, p.Ile359Met (NM_001320923.2, NM_001321852.2, NM_001321853.2 and 4 more transcripts); short protein forms I359M.
Identifiers: ClinVar variation 1440745 (VCV001440745.13), dbSNP rs376472861, ClinGen allele CA893035.